The following is an entry in ClinVar:

ClinVar aggregate classification (germline): Conflicting classifications of pathogenicity. Review status: criteria provided, conflicting classifications (1 of 4 stars). 2 submissions from 2 submitters: Uncertain significance (1); Likely benign (1). Last evaluated 2025-07-24.

Conditions:
Hereditary breast ovarian cancer syndrome. Also called: Breast and ovarian cancer; Hereditary breast and ovarian cancer; Hereditary breast and ovarian cancer syndrome; Hereditary breast and/or ovarian cancer syndrome; BRCA1- and BRCA2-Associated Hereditary Breast and Ovarian Cancer; Hereditary breast and ovarian cancer syndrome (HBOC). Identifiers: Orphanet 145, MedGen C0677776, MeSH D061325, MONDO:0003582. Disease mechanism: loss of function.
Hereditary cancer-predisposing syndrome. Also called: Tumor predisposition; Hereditary Cancer Syndrome; Neoplastic Syndromes, Hereditary; Hereditary neoplastic syndrome. Identifiers: Orphanet 140162, MedGen C0027672, MeSH D009386, MONDO:0015356.

gnomAD v4.1: 1 of 1,613,962 alleles (0.000062%); highest among the groups gnomAD compares: Non-Finnish European, 0.000085%; no homozygotes.

Submissions (3):

Ambry Genetics
Classification: Likely benign for Hereditary cancer-predisposing syndrome. Last evaluated: 2025-07-24. Review status: criteria provided, single submitter. Criteria: Ambry Variant Classification Scheme 2023. Collection method: clinical testing. Allele origin: germline.

Labcorp Genetics (formerly Invitae), Labcorp
Classification: Uncertain significance for Hereditary breast ovarian cancer syndrome. Last evaluated: 2021-12-11. Review status: criteria provided, single submitter. Criteria: Invitae Variant Classification Sherloc (09022015). Collection method: clinical testing. Allele origin: germline.
Comment: This variant has not been reported in the literature in individuals affected with BRCA1-related conditions. ClinVar contains an entry for this variant (Variation ID: 232061). Algorithms developed to predict the effect of missense changes on protein structure and function (SIFT, PolyPhen-2, Align-GVGD) all suggest that this variant is likely to be tolerated. Experimental studies have shown that this missense change does not substantially affect BRCA1 function (PMID: 30209399). Variants that disrupt the consensus splice site are a relatively common cause of aberrant splicing (PMID: 17576681, 9536098). Algorithms developed to predict the effect of sequence changes on RNA splicing suggest that this variant may disrupt the consensus splice site. In summary, the available evidence is currently insufficient to determine the role of this variant in disease. Therefore, it has been classified as a Variant of Uncertain Significance. This variant is not present in population databases (gnomAD no frequency). This sequence change replaces lysine, which is basic and polar, with asparagine, which is neutral and polar, at codon 1759 of the BRCA1 protein (p.Lys1759Asn). This variant also falls at the last nucleotide of exon 19, which is part of the consensus splice site for this exon.

Brotman Baty Institute, University of Washington
No classification provided (evidence only). Condition: Breast-ovarian cancer, familial 1. Review status: no classification provided. Collection method: in vitro. Allele origin: not applicable. Functional consequence: functionally_normal. Not counted in ClinVar's aggregate classification.
ClinVar note: "not provided" was previously submitted as the classification for the variant. However, the classification appeared to be based only on an observation of functional data so it was converted to no classification on 2025-07-30.

Literature cited by the submitters: PubMed 30209399 (cited by Ambry Genetics and Labcorp Genetics (formerly Invitae), Labcorp); PubMed 30765603 (cited by Ambry Genetics); PubMed 36446827 (cited by Ambry Genetics); PubMed 17576681 (cited by Labcorp Genetics (formerly Invitae), Labcorp); PubMed 9536098 (cited by Labcorp Genetics (formerly Invitae), Labcorp).

NM_007294.4(BRCA1):c.5277G>T (p.Lys1759Asn)

Gene: BRCA1 (BRCA1 DNA repair associated; minus strand). Cytogenetic location: 17q21.31.
Variant type: single nucleotide variant.
Coding change: c.5277G>T on transcript NM_007294.4 (MANE Select); coding-DNA position 5277, G replaced by T.
Protein change: p.Lys1759Asn; replaces lysine 1759 with asparagine.
Molecular consequence: missense variant. On other transcripts: non-coding transcript variant (1).
Genome position (GRCh38, 1-based): chr17:43,057,052, C>A on the plus strand (G>T on the coding strand, the complement: BRCA1 is on the minus strand). VCF-style: chr17-43057052-C-A. GRCh37 (hg19) VCF-style: chr17-41209069-C-A.
Other names: c.5064G>T, p.Lys1688Asn (NM_001407571.1, NM_001407906.1, NM_001407907.1 and 12 more transcripts); c.5343G>T, p.Lys1781Asn (NM_001407581.1, NM_001407582.1); c.5340G>T, p.Lys1780Asn (NM_001407583.1, NM_001407585.1, NM_001407587.1 and 1 more transcripts); c.5337G>T, p.Lys1779Asn (NM_001407590.1, NM_001407591.1); c.5277G>T, p.Lys1759Asn (NM_001407593.1, NM_001407854.1, NM_001407594.1 and 7 more transcripts); c.5274G>T, p.Lys1758Asn (NM_001407613.1, NM_001407614.1, NM_001407615.1 and 17 more transcripts); c.5271G>T, p.Lys1757Asn (NM_001407632.1, NM_001407633.1, NM_001407634.1 and 14 more transcripts); c.5199G>T, p.Lys1733Asn (NM_001407654.1, NM_001407655.1, NM_001407652.1 and 1 more transcripts); and 72 more; short protein forms K1759N, K1780N, K655N, K1712N, K1590N, K1605N, K1646N, K1647N.
Identifiers: ClinVar variation 232061 (VCV000232061.16), dbSNP rs80356854, ClinGen allele CA10580489.